The following is an entry in ClinVar:

ClinVar aggregate classification (germline): Pathogenic/Likely pathogenic. Review status: criteria provided, multiple submitters, no conflicts (2 of 4 stars). 2 submissions from 2 submitters: Pathogenic (1); Likely pathogenic (1). Last evaluated 2022-10-14.

Conditions:
Retinal disorder. Also called: Retinopathy; Retinopathies; Retinal Diseases; Retinal disorders. Identifiers: MedGen C0035309, MONDO:0005283, HP:0000488.

Allele frequency attached by ClinVar (database versions not stated): ExAC 0.00001.

Submissions (2):

Labcorp Genetics (formerly Invitae), Labcorp
Classification: Pathogenic. Last evaluated: 2022-10-14. Review status: criteria provided, single submitter. Criteria: Invitae Variant Classification Sherloc (09022015). Collection method: clinical testing. Allele origin: germline.
Comment: This variant is present in population databases (rs770293341, gnomAD 0.0009%). This missense change has been observed in individual(s) with retinitis pigmentosa and/or Usher syndrome (PMID: 25366773, 33576794). In at least one individual the data is consistent with being in trans (on the opposite chromosome) from a pathogenic variant. Advanced modeling of protein sequence and biophysical properties (such as structural, functional, and spatial information, amino acid conservation, physicochemical variation, residue mobility, and thermodynamic stability) performed at Invitae indicates that this missense variant is expected to disrupt USH2A protein function. For these reasons, this variant has been classified as Pathogenic. This sequence change replaces cysteine, which is neutral and slightly polar, with arginine, which is basic and polar, at codon 691 of the USH2A protein (p.Cys691Arg).

AURAGEN, Plan France Médecine Génomique
Classification: Likely pathogenic for Retinal disorder. Last evaluated: 2022-04-22. Review status: criteria provided, single submitter. Criteria: PFMG2025 (Lancet Reg Health Eur. 2025). Collection method: clinical testing. Allele origin: germline. Affected: yes.

Literature cited by the submitters: PubMed 25366773 (cited by Labcorp Genetics (formerly Invitae), Labcorp); PubMed 33576794 (cited by Labcorp Genetics (formerly Invitae), Labcorp).

NM_206933.4(USH2A):c.2071T>C (p.Cys691Arg)

Gene: USH2A (usherin; minus strand). Cytogenetic location: 1q41.
Variant type: single nucleotide variant.
Coding change: c.2071T>C on transcript NM_206933.4 (MANE Select); coding-DNA position 2071, T replaced by C.
Protein change: p.Cys691Arg; replaces cysteine 691 with arginine.
Molecular consequence: missense variant.
Genome position (GRCh38, 1-based): chr1:216,250,999, A>G on the plus strand (T>C on the coding strand, the complement: USH2A is on the minus strand). VCF-style: chr1-216250999-A-G. GRCh37 (hg19) VCF-style: chr1-216424341-A-G.
Other names: c.2071T>C, p.Cys691Arg (NM_007123.6); short protein forms C691R.
Identifiers: ClinVar variation 2202977 (VCV002202977.5), dbSNP rs770293341, ClinGen allele CA1396314.
Genomic context (GRCh38, chr1:216,250,999, plus strand): 5'-TTTGGTGACAGGTAATATCTCCATCCACTGTCCCAGAGGTATTGCAGTTACAGGGACTGC[A>G]GCCATCAGGATCCAACTCTTGTAGATTGTAGAATCCATTCTGGCACTGATTGCACTGCCT-3'
Protein context (NP_996816.3, residues 681-701): YNLQELDPDG[Cys691Arg]SPCNCNTSGT